The following is an entry in ClinVar:

NM_019888.3(MC3R):c.100T>C (p.Phe34Leu)

Gene: MC3R (melanocortin 3 receptor; plus strand). Cytogenetic location: 20q13.2.
Variant type: single nucleotide variant.
Coding change: c.100T>C on transcript NM_019888.3 (MANE Select); coding-DNA position 100, T replaced by C.
Protein change: p.Phe34Leu; replaces phenylalanine 34 with leucine.
Molecular consequence: missense variant.
Genome position (GRCh38, 1-based): chr20:56,248,943, T>C. VCF-style: chr20-56248943-T-C. GRCh37 (hg19) VCF-style: chr20-54823999-T-C.
Other names: short protein forms F34L.
Identifiers: ClinVar variation 4986556 (VCV004986556.1).

ClinVar aggregate classification (germline): Uncertain significance (1 of 4 stars; one submission).

Conditions:
MC3R-related disorder. Also called: MC3R-related condition.

Submission:

PreventionGenetics, part of Exact Sciences
Classification: Uncertain significance for MC3R-related condition. Last evaluated: 2025-04-18. Review status: criteria provided, single submitter. Criteria: ACMG Guidelines, 2015. Collection method: clinical testing. Allele origin: germline.
Comment: The MC3R c.100T>C variant is predicted to result in the amino acid substitution p.Phe34Leu. To our knowledge, this variant has not been reported in the literature. This variant is reported in 0.0023% of alleles in individuals of European (Non-Finnish) descent in gnomAD. At this time, the clinical significance of this variant is uncertain due to the absence of conclusive functional and genetic evidence.